The following is an entry in ClinVar:

NM_014956.5(CEP164):c.770C>G (p.Ser257Cys)

Gene: CEP164 (centrosomal protein 164; plus strand). Cytogenetic location: 11q23.3.
Variant type: single nucleotide variant.
Coding change: c.770C>G on transcript NM_014956.5 (MANE Select); coding-DNA position 770, C replaced by G.
Protein change: p.Ser257Cys; replaces serine 257 with cysteine.
Molecular consequence: missense variant.
Genome position (GRCh38, 1-based): chr11:117,371,084, C>G. VCF-style: chr11-117371084-C-G. GRCh37 (hg19) VCF-style: chr11-117241800-C-G.
Other names: c.770C>G, p.Ser257Cys (NM_001271933.2); short protein forms S257C.
Identifiers: ClinVar variation 1516214 (VCV001516214.6), dbSNP rs2135912954, ClinGen allele CA382735668.

ClinVar aggregate classification (germline): Uncertain significance (1 of 4 stars; one submission).

Conditions:
Nephronophthisis 15 (NPHP15). Identifiers: Orphanet 3156, MedGen C3541853, MONDO:0013917, OMIM 614845.

Submission:

Labcorp Genetics (formerly Invitae), Labcorp
Classification: Uncertain significance for Nephronophthisis 15. Last evaluated: 2023-12-07. Review status: criteria provided, single submitter. Criteria: Invitae Variant Classification Sherloc (09022015). Collection method: clinical testing. Allele origin: germline.
Comment: This sequence change replaces serine, which is neutral and polar, with cysteine, which is neutral and slightly polar, at codon 257 of the CEP164 protein (p.Ser257Cys). This variant is not present in population databases (gnomAD no frequency). This variant has not been reported in the literature in individuals affected with CEP164-related conditions. ClinVar contains an entry for this variant (Variation ID: 1516214). An algorithm developed to predict the effect of missense changes on protein structure and function (PolyPhen-2) suggests that this variant is likely to be disruptive. In summary, the available evidence is currently insufficient to determine the role of this variant in disease. Therefore, it has been classified as a Variant of Uncertain Significance.